The following is an entry in ClinVar:

NM_007294.4(BRCA1):c.2109_2116del (p.Asn704fs)

Gene: BRCA1 (BRCA1 DNA repair associated; minus strand). Cytogenetic location: 17q21.31.
Variant type: Deletion.
Coding change: c.2109_2116del on transcript NM_007294.4 (MANE Select); coding-DNA positions 2109 to 2116, 8 bases deleted (AAATGCAC; older notation c.2109_2116delAAATGCAC).
Protein change: p.Asn704fs; shifts the reading frame from asparagine 704.
Molecular consequence: frameshift variant. On other transcripts: intron variant (137).
Genome position (GRCh38, 1-based): chr17:43,093,415-43,093,422, GTGCATTT deleted on the plus strand (AAATGCAC on the coding strand, the reverse complement: BRCA1 is on the minus strand); deleting any 8 consecutive bases within chr17:43,093,415-43,093,424 gives the same sequence; the c. name uses the placement nearest the transcript's 3' end. VCF-style (leftmost placement, unchanged base first): chr17-43093414-GGTGCATTT-G. GRCh37 (hg19) VCF-style: chr17-41245431-GGTGCATTT-G.
Other names: c.646+1322_646+1329del (NM_001408461.1, NM_001408459.1, NM_001408467.1 and 11 more transcripts); c.784+1322_784+1329del (NM_001408397.1, NM_001408401.1, NM_001408396.1 and 13 more transcripts); c.664+1322_664+1329del (NM_001408436.1, NM_001408444.1, NM_001408438.1 and 12 more transcripts); c.787+1322_787+1329del (NM_001407980.1, NM_001407993.1, NM_001407976.1 and 17 more transcripts); c.652+1322_652+1329del (NM_001408451.1); c.643+1322_643+1329del (NM_001408464.1, NM_001408468.1, NM_001408470.1 and 3 more transcripts); c.583+1322_583+1329del (NM_001408475.1); c.523+1322_523+1329del (NM_001408498.1, NM_001408501.1, NM_001408500.1 and 3 more transcripts); and 41 more; short protein forms N408fs, N536fs, N577fs, N615fs, N616fs, N657fs, N703fs, N593fs.
Identifiers: ClinVar variation 3631397 (VCV003631397.2).

ClinVar aggregate classification (germline): Pathogenic (1 of 4 stars; one submission).

Conditions:
Hereditary breast ovarian cancer syndrome. Also called: Hereditary breast and ovarian cancer syndrome; Hereditary breast and ovarian cancer syndrome (HBOC); BRCA1- and BRCA2-Associated Hereditary Breast and Ovarian Cancer; Hereditary breast and ovarian cancer; Breast and ovarian cancer; Hereditary breast and/or ovarian cancer syndrome. Identifiers: Orphanet 145, MedGen C0677776, MeSH D061325, MONDO:0003582. Disease mechanism: loss of function.

Submission:

Labcorp Genetics (formerly Invitae), Labcorp
Classification: Pathogenic for Hereditary breast ovarian cancer syndrome. Last evaluated: 2024-08-17. Review status: criteria provided, single submitter. Criteria: Invitae Variant Classification Sherloc (09022015). Collection method: clinical testing. Allele origin: germline.
Comment: This sequence change creates a premature translational stop signal (p.Asn704Trpfs*5) in the BRCA1 gene. It is expected to result in an absent or disrupted protein product. Loss-of-function variants in BRCA1 are known to be pathogenic (PMID: 20104584). This variant is not present in population databases (gnomAD no frequency). This variant has not been reported in the literature in individuals affected with BRCA1-related conditions. For these reasons, this variant has been classified as Pathogenic.

Literature cited by the submitters: PubMed 20104584.